The following is an entry in ClinVar:

ClinVar aggregate classification (germline): Likely benign (1 of 4 stars; one submission).

Conditions:
LRRC45-related disorder. Also called: LRRC45-related condition.

gnomAD v4.1: 24 of 1,549,848 alleles (0.0015%); highest among the groups gnomAD compares: Admixed American, 0.002%; no homozygotes.

Submission:

PreventionGenetics, part of Exact Sciences
Classification: Likely benign for LRRC45-related condition. Last evaluated: 2025-09-23. Review status: criteria provided, single submitter. Criteria: ACMG Guidelines, 2015. Collection method: clinical testing. Allele origin: germline.
Comment: This variant is classified as likely benign based on ACMG/AMP sequence variant interpretation guidelines (Richards et al. 2015 PMID: 25741868, with internal and published modifications).

NM_144999.4(LRRC45):c.1734G>A (p.Glu578=)

Gene: LRRC45 (leucine rich repeat containing 45; plus strand). Cytogenetic location: 17q25.3.
Variant type: single nucleotide variant.
Coding change: c.1734G>A on transcript NM_144999.4 (MANE Select); coding-DNA position 1734, G replaced by A.
Protein change: p.Glu578=; no amino-acid change (glutamic acid 578 retained).
Molecular consequence: synonymous variant.
Genome position (GRCh38, 1-based): chr17:82,030,384, G>A. VCF-style: chr17-82030384-G-A. GRCh37 (hg19) VCF-style: chr17-79988260-G-A.
Identifiers: ClinVar variation 4981078 (VCV004981078.1).